The following is an entry in ClinVar:

NM_020822.3(KCNT1):c.760-139A>G

Gene: KCNT1 (potassium sodium-activated channel subfamily T member 1; plus strand). Cytogenetic location: 9q34.3.
Variant type: single nucleotide variant.
Coding change: c.760-139A>G on transcript NM_020822.3 (MANE Select); 139 bases into the intron before coding-DNA position 760, A replaced by G.
Molecular consequence: intron variant.
Genome position (GRCh38, 1-based): chr9:135,758,275, A>G. VCF-style: chr9-135758275-A-G. GRCh37 (hg19) VCF-style: chr9-138650121-A-G.
Other names: c.616-139A>G (NM_001272003.2).
Identifiers: ClinVar variation 682094 (VCV000682094.2), dbSNP rs10776842, ClinGen allele CA201460608.

ClinVar aggregate classification (germline): Benign. Review status: criteria provided, multiple submitters, no conflicts (2 of 4 stars). 2 submissions from 2 submitters: Benign (2). Last evaluated 2018-06-18.

Allele frequency attached by ClinVar (database versions not stated): gnomAD 0.23770 and 0.23771.
gnomAD v4.1: 120,514 of 389,250 alleles (31%); highest among the groups gnomAD compares: South Asian, 38%; 6,706 homozygotes.

Submissions (2):

GeneDx
Classification: Benign. Last evaluated: 2018-06-18. Review status: criteria provided, single submitter. Criteria: GeneDx Variant Classification (06012015). Collection method: clinical testing. Allele origin: germline. Affected: yes.
Comment: This variant is considered likely benign or benign based on one or more of the following criteria: it is a conservative change, it occurs at a poorly conserved position in the protein, it is predicted to be benign by multiple in silico algorithms, and/or has population frequency not consistent with disease.

Breakthrough Genomics
Classification: Benign. Review status: criteria provided, single submitter. Criteria: ACMG Guidelines, 2015. Collection method: not provided. Allele origin: germline. Inheritance: Autosomal dominant inheritance. Affected: yes.